The following is an entry in ClinVar:

NM_000885.6(ITGA4):c.*1703G>T

Genes: CERKL (CERK like autophagy regulator; minus strand), ITGA4 (integrin subunit alpha 4; plus strand). Cytogenetic location: 2q31.3.
Variant type: single nucleotide variant.
Coding change: c.*1703G>T on transcript NM_000885.6 (MANE Select); 1703 bases downstream of the stop codon, G replaced by T.
Molecular consequence: 3 prime UTR variant. On other transcripts: non-coding transcript variant (2).
Genome position (GRCh38, 1-based): chr2:181,537,230, G>T. VCF-style: chr2-181537230-G-T. GRCh37 (hg19) VCF-style: chr2-182401957-G-T.
Other names: NC_000002.11:g.182401957G>T; c.*954C>A (NM_001030311.3, NM_001030312.3, NM_001030313.3 and 2 more transcripts).
Identifiers: ClinVar variation 332985 (VCV000332985.7), dbSNP rs11553356, ClinGen allele CA2010263.

ClinVar aggregate classification (germline): Benign. Review status: criteria provided, multiple submitters, no conflicts (2 of 4 stars). 2 submissions from 2 submitters: Benign (2). Last evaluated 2018-01-13.

Conditions:
Retinitis pigmentosa (RP). Identifiers: Orphanet 791, MedGen C0035334, MeSH D012174, MONDO:0019200, OMIM 268000. Inheritance: Autosomal dominant, autosomal recessive and X linked inheritance.

Allele frequency attached by ClinVar (database versions not stated): ExAC 0.05907; gnomAD 0.15389 and 0.15631; TOPMed 0.15539; 1000 Genomes Project 0.16873; 1000 Genomes Project 30x 0.17192.
gnomAD v4.1: 58,159 of 452,766 alleles (13%); highest among the groups gnomAD compares: African/African-American, 22%; 4,653 homozygotes.

Submissions (5):

Illumina Laboratory Services, Illumina
Classification: Benign for Retinitis pigmentosa. Last evaluated: 2018-01-13. Review status: criteria provided, single submitter. Criteria: ICSL Variant Classification Criteria 13 December 2019. Collection method: clinical testing. Allele origin: germline.
Comment: This variant was observed in the ICSL laboratory as part of a predisposition screen in an ostensibly healthy population. It had not been previously curated by ICSL or reported in the Human Gene Mutation Database (HGMD: prior to June 1st, 2018), and was therefore a candidate for classification through an automated scoring system. Utilizing variant allele frequency, disease prevalence and penetrance estimates, and inheritance mode, an automated score was calculated to assess if this variant is too frequent to cause the disease. Based on the score and internal cut-off values, a variant classified as benign is not then subjected to further curation. The score for this variant resulted in a classification of benign for this disease.

Breakthrough Genomics
Classification: Benign. Review status: criteria provided, single submitter. Criteria: ACMG Guidelines, 2015. Collection method: not provided. Allele origin: germline. Inheritance: Autosomal recessive inheritance. Affected: yes.

Dr. Peter K. Rogan Lab, Western University
No classification provided (evidence only). Condition: Acute myeloid leukemia. Review status: no classification provided. Collection method: in vitro. Allele origin: not applicable. Functional consequence: retained intron. Not counted in ClinVar's aggregate classification.

Dr. Peter K. Rogan Lab, Western University
No classification provided (evidence only). Condition: Acute myeloid leukemia. Review status: no classification provided. Collection method: in vitro. Allele origin: not applicable. Functional consequence: retained intron. Not counted in ClinVar's aggregate classification.

Dr. Peter K. Rogan Lab, Western University
No classification provided (evidence only). Condition: Acute myeloid leukemia. Review status: no classification provided. Collection method: in vitro. Allele origin: not applicable. Functional consequence: retained intron. Not counted in ClinVar's aggregate classification.